The following continues an entry in ClinVar:

NC_000011.10:g.47347065C>T

Gene: MYBPC3. ClinVar aggregate classification (germline): Conflicting classifications of pathogenicity. Pathogenic (10); Likely pathogenic (4); Uncertain significance (1).

Submissions 13 to 17 of 17:

Laboratory for Molecular Medicine, Mass General Brigham Personalized Medicine
Classification: Likely pathogenic for Hypertrophic cardiomyopathy. Last evaluated: 2020-05-01. Review status: criteria provided, single submitter. Criteria: ACMG Guidelines, 2015. Collection method: clinical testing. Allele origin: germline. Inheritance: Autosomal dominant inheritance.
Comment: The c.906-36G>A variant in MYBPC3 has been reported in at least 6 individuals with hypertrophic cardiomyopathy (HCM) and segregated with disease in 1 affected individual (Frank-Hansen 2008 PMID:18337725, Janin 2020 PMID: 31730716 , ClinVar: SCV000259662). It was absent from large population studies, but has been reported in ClinVar (Variation ID: 219660). This variant is located in the 3' splice region. Computational tools and in vitro studies with patient leukocytes predict a splicing impact, though this information is not predictive enough to determine pathogenicity (Frank-Hansen 2008 PMID:18337725). In summary, although additional studies are required to fully establish its clinical significance, this variant meets criteria to be classified as likely pathogenic for autosomal dominant HCM. ACMG/AMP Criteria applied: PM2, PS3_Moderate, PS4_Moderate.

Broad Center for Mendelian Genomics, Broad Institute of MIT and Harvard
Classification: Likely pathogenic for Hypertrophic cardiomyopathy 4. Last evaluated: 2018-12-03. Review status: criteria provided, single submitter. Criteria: ACMG Guidelines, 2015. Collection method: research. Allele origin: germline. Inheritance: Autosomal dominant inheritance. Affected: yes.
Comment: Computational prediction tools and conservation analyses suggest that this variant may impact splicing, though this information is not predictive enough to determine pathogenicity. In vitro functional studies provide some evidence that the c.906-36G>A variant may impact protein function by creating an acceptor splice site and a 34 nucleotide insertion in the transcript, leading to a frameshift in Exon 10 and premature termination codon in Exon 12 (PMID: 18337725). However, these types of assays may not accurately represent biological function. This variant was absent from large population studies. This variant has been reported pathogenic and was reported to cosegregate with familial hypertrophic cardiomyopathy in one family in ClinVar (Variation ID: 219660) and was reported in the homozygous state in one unrelated individual with hypertrophic cardiomyopathy (PMID: 18337725). In summary, although additional studies are required to fully establish its clinical significance, the c.906-36G>A variant is likely pathogenic. ACMG/AMP Criteria applied: PM2, PS3, PP1, PP3 (Richards 2015).

Clinical Genetics Service, Universitary Hospital 12 de Octubre
Classification: Likely pathogenic for Hypertrophic cardiomyopathy 4. Review status: criteria provided, single submitter. Criteria: ACMG Guidelines, 2015. Collection method: clinical testing. Allele origin: germline. Affected: yes.

PreventionGenetics, part of Exact Sciences
Classification: Pathogenic for MYBPC3-related condition. Last evaluated: 2024-04-04. Review status: no assertion criteria provided. Collection method: clinical testing. Allele origin: germline. Not counted in ClinVar's aggregate classification.
Comment: The MYBPC3 c.906-36G>A variant is predicted to interfere with splicing. This variant was reported in at least five unrelated individuals with hypertrophic cardiomyopathy (Erdmann et al. 2003. PubMed ID: 12974739; Frank-Hansen et al. 2008. PubMed ID: 18337725; Janin et al. 2020. PubMed ID: 31730716; Lopes et al. 2020. PubMed ID: 32396390). RNA studies on the affected individual’s peripheral blood leukocytes showed that this variant resulted in the inclusion of 34 nucleotides of intron 9 and a subsequent frameshift and premature protein termination (Frank-Hansen et al. 2008. PubMed ID: 18337725). This variant has not been reported in a large population database, indicating this variant is rare. This variant is interpreted as pathogenic.

Genomic Medicine Center of Excellence, King Faisal Specialist Hospital and Research Centre
Classification: Uncertain significance for Hypertrophic cardiomyopathy 4. Last evaluated: 2025-09-10. Review status: flagged submission. Criteria: ACMG Guidelines, 2015. Collection method: clinical testing. Allele origin: germline. Not counted in ClinVar's aggregate classification.
ClinVar note: Reason: Outlier claim with insufficient supporting evidence

Literature cited by the submitters: PubMed 18337725 (cited by 8 submitters); PubMed 31730716 (cited by 6 submitters); PubMed 29355681 (cited by 3billion); PubMed 12974739 (cited by Mayo Clinic Laboratories, Mayo Clinic and Ambry Genetics); PubMed 29998127 (cited by Mayo Clinic Laboratories, Mayo Clinic and Ambry Genetics); PubMed 32396390 (cited by 3 submitters); PubMed 34714385 (cited by Mayo Clinic Laboratories, Mayo Clinic); PubMed 35653365 (cited by Mayo Clinic Laboratories, Mayo Clinic); PubMed 37652022 (cited by Mayo Clinic Laboratories, Mayo Clinic).